The following is an entry in ClinVar:

NM_000152.5(GAA):c.1144G>T (p.Ala382Ser)

Gene: GAA (alpha glucosidase; plus strand). Cytogenetic location: 17q25.3.
Variant type: single nucleotide variant.
Coding change: c.1144G>T on transcript NM_000152.5 (MANE Select); coding-DNA position 1144, G replaced by T.
Protein change: p.Ala382Ser; replaces alanine 382 with serine.
Molecular consequence: missense variant.
Genome position (GRCh38, 1-based): chr17:80,108,557, G>T. VCF-style: chr17-80108557-G-T. GRCh37 (hg19) VCF-style: chr17-78082356-G-T.
Other names: c.1144G>T, p.Ala382Ser (NM_001079803.3, NM_001079804.3, NM_001406741.1 and 1 more transcripts); short protein forms A382S.
Identifiers: ClinVar variation 4690977 (VCV004690977.1).

ClinVar aggregate classification (germline): Uncertain significance (1 of 4 stars; one submission).

Conditions:
Glycogen storage disease, type II (IOPD). Also called: CARDIOMEGALIA GLYCOGENICA DIFFUSA; Glucosidase acid-1,4-alpha deficiency; GLYCOGENOSIS, GENERALIZED, CARDIAC FORM; GSD II; Glycogen storage disease type 2; Acid maltase deficiency disease. Identifiers: Orphanet 365, MedGen C0017921, MONDO:0009290, OMIM 232300.

gnomAD v4.1: 1 of 1,612,716 alleles (0.000062%); highest among the groups gnomAD compares: Non-Finnish European, 0.000085%; no homozygotes.

Submission:

Labcorp Genetics (formerly Invitae), Labcorp
Classification: Uncertain significance for Glycogen storage disease, type II. Last evaluated: 2026-01-19. Review status: criteria provided, single submitter. Criteria: Invitae Variant Classification Sherloc (09022015). Collection method: clinical testing. Allele origin: germline.
Comment: This sequence change replaces alanine, which is neutral and non-polar, with serine, which is neutral and polar, at codon 382 of the GAA protein (p.Ala382Ser). This variant is not present in population databases (gnomAD no frequency). This variant has not been reported in the literature in individuals affected with GAA-related conditions. Invitae Evidence Modeling of protein sequence and biophysical properties (such as structural, functional, and spatial information, amino acid conservation, physicochemical variation, residue mobility, and thermodynamic stability) indicates that this missense variant is not expected to disrupt GAA protein function with a negative predictive value of 95%. In summary, the available evidence is currently insufficient to determine the role of this variant in disease. Therefore, it has been classified as a Variant of Uncertain Significance.